The following is an entry in ClinVar:

NM_020778.5(ALPK3):c.2344G>A (p.Ala782Thr)

Gene: ALPK3 (alpha kinase 3; plus strand). Cytogenetic location: 15q25.3.
Variant type: single nucleotide variant.
Coding change: c.2344G>A on transcript NM_020778.5 (MANE Select); coding-DNA position 2344, G replaced by A.
Protein change: p.Ala782Thr; replaces alanine 782 with threonine.
Molecular consequence: missense variant.
Genome position (GRCh38, 1-based): chr15:84,857,082, G>A. VCF-style: chr15-84857082-G-A. GRCh37 (hg19) VCF-style: chr15-85400313-G-A.
Other names: c.2950G>A (NM_020778.4); short protein forms A782T.
Identifiers: ClinVar variation 1937526 (VCV001937526.9), dbSNP rs763620385, ClinGen allele CA7709388.

ClinVar aggregate classification (germline): Conflicting classifications of pathogenicity. Review status: criteria provided, conflicting classifications (1 of 4 stars). 3 submissions from 3 submitters: Uncertain significance (2); Likely benign (1). Last evaluated 2025-12-08.

Conditions:
Cardiovascular phenotype. Identifiers: MedGen CN230736.

Allele frequency attached by ClinVar (database versions not stated): gnomAD exomes 0.00001; ExAC 0.00002; TOPMed 0.00002; gnomAD 0.00003.
gnomAD v4.1: 9 of 1,614,110 alleles (0.00056%); highest among the groups gnomAD compares: Non-Finnish European, 0.00076%; no homozygotes.

Submissions (3):

Labcorp Genetics (formerly Invitae), Labcorp
Classification: Uncertain significance. Last evaluated: 2025-12-08. Review status: criteria provided, single submitter. Criteria: Invitae Variant Classification Sherloc (09022015). Collection method: clinical testing. Allele origin: germline.
Comment: This sequence change replaces alanine, which is neutral and non-polar, with threonine, which is neutral and polar, at codon 984 of the ALPK3 protein (p.Ala984Thr). This variant is present in population databases (rs763620385, gnomAD 0.002%). This variant has not been reported in the literature in individuals affected with ALPK3-related conditions. ClinVar contains an entry for this variant (Variation ID: 1937526). Invitae Evidence Modeling of protein sequence and biophysical properties (such as structural, functional, and spatial information, amino acid conservation, physicochemical variation, residue mobility, and thermodynamic stability) indicates that this missense variant is not expected to disrupt ALPK3 protein function with a negative predictive value of 80%. In summary, the available evidence is currently insufficient to determine the role of this variant in disease. Therefore, it has been classified as a Variant of Uncertain Significance.

Ambry Genetics
Classification: Uncertain significance for Cardiovascular phenotype. Last evaluated: 2025-06-03. Review status: criteria provided, single submitter. Criteria: Ambry Variant Classification Scheme 2023. Collection method: clinical testing. Allele origin: germline.

Molecular Diagnostic Laboratory for Inherited Cardiovascular Disease, Montreal Heart Institute
Classification: Likely benign. Last evaluated: 2025-04-09. Review status: criteria provided, single submitter. Criteria: ACMG Guidelines, 2015. Collection method: clinical testing. Allele origin: germline. Affected: no.
Comment: BS1;BP4